The following is an entry in ClinVar:

NM_201253.3(CRB1):c.1352T>C (p.Leu451Pro)

Gene: CRB1 (crumbs cell polarity complex component 1; plus strand). Cytogenetic location: 1q31.3.
Variant type: single nucleotide variant.
Coding change: c.1352T>C on transcript NM_201253.3 (MANE Select); coding-DNA position 1352, T replaced by C.
Protein change: p.Leu451Pro; replaces leucine 451 with proline.
Molecular consequence: missense variant. On other transcripts: non-coding transcript variant (2).
Genome position (GRCh38, 1-based): chr1:197,421,180, T>C. VCF-style: chr1-197421180-T-C. GRCh37 (hg19) VCF-style: chr1-197390310-T-C.
Other names: c.1016T>C, p.Leu339Pro (NM_001193640.2); c.1145T>C, p.Leu382Pro (NM_001257965.2); c.1352T>C, p.Leu451Pro (NM_001257966.2); short protein forms L339P, L382P, L451P.
Identifiers: ClinVar variation 3776199 (VCV003776199.1).

ClinVar aggregate classification (germline): Uncertain significance (1 of 4 stars; one submission).

Conditions:
Retinitis pigmentosa 12 (RP12). Also called: RP WITH OR WITHOUT PPRPE; RP WITH OR WITHOUT PRESERVED PARAARTERIOLE RETINAL PIGMENT EPITHELIUM; RETINITIS PIGMENTOSA WITH OR WITHOUT PARAARTERIOLAR PRESERVATION OF RETINAL PIGMENT EPITHELIUM. Identifiers: Orphanet 791, MedGen C1838647, MONDO:0010818, OMIM 600105.

Submission:

3billion
Classification: Uncertain significance for Retinitis pigmentosa 12. Last evaluated: 2023-12-03. Review status: criteria provided, single submitter. Criteria: ACMG Guidelines, 2015. Collection method: clinical testing. Allele origin: germline. Affected: yes.
Comment: The variant is not observed in the gnomAD v2.1.1 dataset. Predicted Consequence/Location: Missense variant In silico tool predictions suggest damaging effect of the variant on gene or gene product [REVEL: 0.66 (>=0.6, sensitivity 0.68 and specificity 0.92); 3Cnet: 0.72 (>=0.6, sensitivity 0.72 and precision 0.9)]. Therefore, this variant is classified as VUS according to the recommendation of ACMG/AMP guideline.